The following is an entry in ClinVar:

NC_000016.10:g.(89746891_89748658)_(89771815_89773270)del

Gene: FANCA (FA complementation group A; minus strand). Cytogenetic location: 16q24.3.
Variant type: Deletion.
Identifiers: ClinVar variation 974233 (VCV000974233.1).

ClinVar aggregate classification (germline): Uncertain significance (0 of 4 stars; one submission).

Conditions:
Fanconi anemia complementation group A (FANCA). Also called: Fanconi anemia, group A; FANCA-Related Fanconi Anemia. Identifiers: Orphanet 84, MedGen C3469521, MONDO:0009215, OMIM 227650.

Submission:

Leiden Open Variation Database
Classification: Uncertain significance for Fanconi anemia complementation group A. Last evaluated: 2020-02-28. Review status: no assertion criteria provided. Collection method: curation. Allele origin: germline. Affected: yes.
Comment: Curator: Arleen D. Auerbach. Submitter to LOVD: Arleen D. Auerbach.